The following is an entry in ClinVar:

ClinVar aggregate classification (germline): Uncertain significance. Review status: criteria provided, multiple submitters, no conflicts (2 of 4 stars). 2 submissions from 2 submitters: Uncertain significance (2). Last evaluated 2025-11-09.

Submissions (2):

Labcorp Genetics (formerly Invitae), Labcorp
Classification: Uncertain significance. Last evaluated: 2025-11-09. Review status: criteria provided, single submitter. Criteria: Invitae Variant Classification Sherloc (09022015). Collection method: clinical testing. Allele origin: germline.
Comment: This sequence change replaces arginine, which is basic and polar, with leucine, which is neutral and non-polar, at codon 302 of the GEN1 protein (p.Arg302Leu). This variant is not present in population databases (gnomAD no frequency). This variant has not been reported in the literature in individuals affected with GEN1-related conditions. ClinVar contains an entry for this variant (Variation ID: 1989616). An algorithm developed to predict the effect of missense changes on protein structure and function outputs the following: PolyPhen-2: "Benign". The leucine amino acid residue is found in multiple mammalian species, which suggests that this missense change does not adversely affect protein function. In summary, the available evidence is currently insufficient to determine the role of this variant in disease. Therefore, it has been classified as a Variant of Uncertain Significance.

Ambry Genetics
Classification: Uncertain significance. Last evaluated: 2025-02-09. Review status: criteria provided, single submitter. Criteria: Ambry Variant Classification Scheme 2023. Collection method: clinical testing. Allele origin: germline.
Comment: The p.R302L variant (also known as c.905G>T), located in coding exon 7 of the GEN1 gene, results from a G to T substitution at nucleotide position 905. The arginine at codon 302 is replaced by leucine, an amino acid with dissimilar properties. This amino acid position is conserved. In addition, this alteration is predicted to be tolerated by in silico analysis. Based on the available evidence, the clinical significance of this variant remains unclear.

NM_001130009.3(GEN1):c.905G>T (p.Arg302Leu)

Gene: GEN1 (GEN1 structure-specific endonuclease; plus strand). Cytogenetic location: 2p24.2.
Variant type: single nucleotide variant.
Coding change: c.905G>T on transcript NM_001130009.3 (MANE Select); coding-DNA position 905, G replaced by T.
Protein change: p.Arg302Leu; replaces arginine 302 with leucine.
Molecular consequence: missense variant.
Genome position (GRCh38, 1-based): chr2:17,772,736, G>T. VCF-style: chr2-17772736-G-T. GRCh37 (hg19) VCF-style: chr2-17954003-G-T.
Other names: c.905G>T (NM_001130009.1); c.905G>T, p.Arg302Leu (NM_182625.5); short protein forms R302L.
Identifiers: ClinVar variation 1989616 (VCV001989616.5), dbSNP rs148607792, ClinGen allele CA345917342.